The following is an entry in ClinVar:

ClinVar aggregate classification (germline): Uncertain significance (1 of 4 stars; one submission).

gnomAD v4.1: 1 of 1,614,208 alleles (0.000062%); highest among the groups gnomAD compares: Non-Finnish European, 0.000085%; no homozygotes.

Submission:

Labcorp Genetics (formerly Invitae), Labcorp
Classification: Uncertain significance. Last evaluated: 2025-12-23. Review status: criteria provided, single submitter. Criteria: Invitae Variant Classification Sherloc (09022015). Collection method: clinical testing. Allele origin: germline.
Comment: This sequence change replaces valine, which is neutral and non-polar, with leucine, which is neutral and non-polar, at codon 674 of the EMC1 protein (p.Val674Leu). This variant is present in population databases (rs759027803, gnomAD 0.0009%). This variant has not been reported in the literature in individuals affected with EMC1-related conditions. Invitae Evidence Modeling of protein sequence and biophysical properties (such as structural, functional, and spatial information, amino acid conservation, physicochemical variation, residue mobility, and thermodynamic stability) indicates that this missense variant is not expected to disrupt EMC1 protein function with a negative predictive value of 80%. In summary, the available evidence is currently insufficient to determine the role of this variant in disease. Therefore, it has been classified as a Variant of Uncertain Significance.

NM_015047.3(EMC1):c.2020G>T (p.Val674Leu)

Genes: EMC1 (ER membrane protein complex subunit 1; minus strand), EMC1-AS1 (EMC1 antisense RNA 1; plus strand). Cytogenetic location: 1p36.13.
Variant type: single nucleotide variant.
Coding change: c.2020G>T on transcript NM_015047.3 (MANE Select); coding-DNA position 2020, G replaced by T.
Protein change: p.Val674Leu; replaces valine 674 with leucine.
Molecular consequence: missense variant.
Genome position (GRCh38, 1-based): chr1:19,230,888, C>A on the plus strand (G>T on the coding strand, the complement: EMC1 is on the minus strand). VCF-style: chr1-19230888-C-A. GRCh37 (hg19) VCF-style: chr1-19557382-C-A.
Other names: c.2017G>T, p.Val673Leu (NM_001271427.2, NM_001271428.2); c.1954G>T, p.Val652Leu (NM_001271429.2); c.2029G>T, p.Val677Leu (NM_001375820.1); c.2026G>T, p.Val676Leu (NM_001375821.1); short protein forms V677L, V652L, V673L, V676L, V674L.
Identifiers: ClinVar variation 4740989 (VCV004740989.1).
Genomic context (GRCh38, chr1:19,230,888, plus strand): 5'-GGACATGCCTTCCTACCTTTCGAAGCCGATATCCACACAGCCGTCCCTGCTCTGCATCCA[C>A]CAAATAGAAGAAGATGGAAGGGGCAAGCTCATGTAGCTGTCGCAAGACATTCCGAGTGGC-3'
Protein context (NP_055862.1, residues 664-684): ELAPSIFFYL[Val674Leu]DAEQGRLCGY